The following is an entry in ClinVar:

ClinVar aggregate classification (germline): Uncertain significance (1 of 4 stars; one submission).

Conditions:
Gastrointestinal stromal tumor. Also called: Gastrointestinal stromal tumor, somatic; Gastrointestinal stroma tumor. Identifiers: Orphanet 44890, MedGen C0238198, MeSH D046152, MONDO:0011719, OMIM 606764, HP:0100723.

Submission:

Labcorp Genetics (formerly Invitae), Labcorp
Classification: Uncertain significance for Gastrointestinal stromal tumor. Last evaluated: 2020-09-23. Review status: criteria provided, single submitter. Criteria: Invitae Variant Classification Sherloc (09022015). Collection method: clinical testing. Allele origin: germline.
Comment: This variant has not been reported in the literature in individuals with PDGFRA-related conditions. In summary, the available evidence is currently insufficient to determine the role of this variant in disease. Therefore, it has been classified as a Variant of Uncertain Significance. Algorithms developed to predict the effect of missense changes on protein structure and function are either unavailable or do not agree on the potential impact of this missense change (SIFT: "Deleterious"; PolyPhen-2: "Probably Damaging"; Align-GVGD: "Class C0"). This variant is not present in population databases (ExAC no frequency). This sequence change replaces valine with leucine at codon 538 of the PDGFRA protein (p.Val538Leu). The valine residue is highly conserved and there is a small physicochemical difference between valine and leucine.

NM_006206.6(PDGFRA):c.1612G>T (p.Val538Leu)

Gene: PDGFRA (platelet derived growth factor receptor alpha; plus strand). Cytogenetic location: 4q12.
Variant type: single nucleotide variant.
Coding change: c.1612G>T on transcript NM_006206.6 (MANE Select); coding-DNA position 1612, G replaced by T.
Protein change: p.Val538Leu; replaces valine 538 with leucine.
Molecular consequence: missense variant.
Genome position (GRCh38, 1-based): chr4:54,274,584, G>T. VCF-style: chr4-54274584-G-T. GRCh37 (hg19) VCF-style: chr4-55140751-G-T.
Other names: c.1612G>T, p.Val538Leu (NM_001347827.2, NM_001347829.2); c.1687G>T, p.Val563Leu (NM_001347828.2); c.1651G>T, p.Val551Leu (NM_001347830.2); short protein forms V538L, V551L, V563L.
Identifiers: ClinVar variation 1052988 (VCV001052988.16), dbSNP rs2110296611, ClinGen allele CA356892922.